The following is an entry in ClinVar:

NM_000038.6(APC):c.4805del (p.Pro1602fs)

Gene: APC (APC regulator of Wnt signaling pathway; plus strand). Cytogenetic location: 5q22.2.
Variant type: Deletion.
Coding change: c.4805del on transcript NM_000038.6 (MANE Select); coding-DNA position 4805, one base deleted (C; older notation c.4805delC).
Protein change: p.Pro1602fs; shifts the reading frame from proline 1602.
Molecular consequence: frameshift variant. On other transcripts: non-coding transcript variant (2).
Genome position (GRCh38, 1-based): chr5:112,840,399, C deleted; the last of 2 consecutive C bases (chr5:112,840,398-112,840,399); deleting either gives the same sequence. VCF-style (leftmost placement, unchanged base first): chr5-112840397-AC-A. GRCh37 (hg19) VCF-style: chr5-112176094-AC-A.
Other names: c.4805del, p.Pro1602fs (NM_001127510.3, NM_001354895.2, NM_001407450.1); c.4751del, p.Pro1584fs (NM_001127511.3); c.4859del, p.Pro1620fs (NM_001354896.2, NM_001407447.1, NM_001407448.1 and 1 more transcripts); c.4835del, p.Pro1612fs (NM_001354897.2); c.4730del, p.Pro1577fs (NM_001354898.2); c.4721del, p.Pro1574fs (NM_001354899.2); c.4682del, p.Pro1561fs (NM_001354900.2); c.4628del, p.Pro1543fs (NM_001354901.2, NM_001407453.1); and 11 more; short protein forms P1218fs, P1319fs, P1442fs, P1473fs, P1476fs, P1501fs, P1511fs, P1519fs.
Identifiers: ClinVar variation 2583901 (VCV002583901.1), dbSNP rs2533601029, ClinGen allele CA2582341376.

ClinVar aggregate classification (germline): Pathogenic (1 of 4 stars; one submission).

Conditions:
Familial adenomatous polyposis 1 (FAP1). Also called: FAMILIAL ADENOMATOUS POLYPOSIS 1, ATTENUATED; POLYPOSIS, ADENOMATOUS INTESTINAL. Identifiers: MedGen C2713442, MONDO:0021056, OMIM 175100. Disease mechanism: loss of function.

Submission:

Myriad Genetics, Inc.
Classification: Pathogenic for Familial adenomatous polyposis 1. Last evaluated: 2023-05-12. Review status: criteria provided, single submitter. Criteria: Myriad Autosomal Dominant, Autosomal Recessive and X-Linked Classification Criteria (2023). Collection method: clinical testing. Allele origin: unknown.
Comment: This variant is considered pathogenic. This variant creates a frameshift predicted to result in premature protein truncation.